The following is an entry in ClinVar:

NM_017934.7(PHIP):c.3656+1248T>A

Genes: IRAK1BP1 (interleukin 1 receptor associated kinase 1 binding protein 1; plus strand), PHIP (PHIP subunit of CUL4-Ring ligase complex; minus strand). Cytogenetic location: 6q14.1.
Variant type: single nucleotide variant.
Coding change: c.3656+1248T>A on transcript NM_017934.7 (MANE Select); 1248 bases into the intron after coding-DNA position 3656, T replaced by A.
Molecular consequence: intron variant.
Genome position (GRCh38, 1-based): chr6:78,960,442, A>T on the plus strand (T>A on the coding strand, the complement: PHIP is on the minus strand). VCF-style: chr6-78960442-A-T. GRCh37 (hg19) VCF-style: chr6-79670159-A-T.
Identifiers: ClinVar variation 3354033 (VCV003354033.1).

ClinVar aggregate classification (germline): Likely benign (0 of 4 stars; one submission).

Conditions:
PHIP-related disorder. Also called: PHIP-related condition; PHIP-related disorders.

Submission:

PreventionGenetics, part of Exact Sciences
Classification: Likely benign for PHIP-related condition. Last evaluated: 2022-06-07. Review status: no assertion criteria provided. Collection method: clinical testing. Allele origin: germline.
Comment: This variant is classified as likely benign based on ACMG/AMP sequence variant interpretation guidelines (Richards et al. 2015 PMID: 25741868, with internal and published modifications).